The following is an entry in ClinVar:

ClinVar aggregate classification (germline): Likely benign. Review status: criteria provided, multiple submitters, no conflicts (2 of 4 stars). 3 submissions from 3 submitters: Likely benign (2). 1 of the submissions does not count toward it. Last evaluated 2026-01-13.

Conditions:
Cardiovascular phenotype. Identifiers: MedGen CN230736.
Legius syndrome. Identifiers: Orphanet 137605, MedGen C1969623, MONDO:0012669, OMIM 611431. Disease mechanism: loss of function.
SPRED1-related disorder. Also called: SPRED1-related condition.

Allele frequency attached by ClinVar (database versions not stated): gnomAD exomes below 0.00001.
gnomAD v4.1: 2 of 1,614,158 alleles (0.00012%); highest among the groups gnomAD compares: African/African-American, 0.0013%; no homozygotes.

Submissions (3):

Labcorp Genetics (formerly Invitae), Labcorp
Classification: Likely benign for Legius syndrome. Last evaluated: 2026-01-13. Review status: criteria provided, single submitter. Criteria: Invitae Variant Classification Sherloc (09022015). Collection method: clinical testing. Allele origin: germline.

Ambry Genetics
Classification: Likely benign for Cardiovascular phenotype. Last evaluated: 2025-01-09. Review status: criteria provided, single submitter. Criteria: Ambry Variant Classification Scheme 2023. Collection method: clinical testing. Allele origin: germline.

PreventionGenetics, part of Exact Sciences
Classification: Likely benign for SPRED1-related condition. Last evaluated: 2023-06-20. Review status: no assertion criteria provided. Collection method: clinical testing. Allele origin: germline. Not counted in ClinVar's aggregate classification.
Comment: This variant is classified as likely benign based on ACMG/AMP sequence variant interpretation guidelines (Richards et al. 2015 PMID: 25741868, with internal and published modifications).

NM_152594.3(SPRED1):c.885T>C (p.Ser295=)

Gene: SPRED1 (sprouty related EVH1 domain containing 1; plus strand). Cytogenetic location: 15q14.
Variant type: single nucleotide variant.
Coding change: c.885T>C on transcript NM_152594.3 (MANE Select); coding-DNA position 885, T replaced by C.
Protein change: p.Ser295=; no amino-acid change (serine 295 retained).
Molecular consequence: synonymous variant.
Genome position (GRCh38, 1-based): chr15:38,351,214, T>C. VCF-style: chr15-38351214-T-C. GRCh37 (hg19) VCF-style: chr15-38643415-T-C.
Other names: c.885T>C (NM_152594.2).
Identifiers: ClinVar variation 1896981 (VCV001896981.8), dbSNP rs1888476496, ClinGen allele CA490011942.